The following is an entry in ClinVar:

ClinVar aggregate classification (germline): Uncertain significance (1 of 4 stars; one submission).

Conditions:
Cardiovascular phenotype. Identifiers: MedGen CN230736.

Submission:

Ambry Genetics
Classification: Uncertain significance for Cardiovascular phenotype. Last evaluated: 2025-11-26. Review status: criteria provided, single submitter. Criteria: Ambry Variant Classification Scheme 2023. Collection method: clinical testing. Allele origin: germline.
Comment: The p.V1301D variant (also known as c.3902T>A), located in coding exon 51 of the COL1A2 gene, results from a T to A substitution at nucleotide position 3902. The valine at codon 1301 is replaced by aspartic acid, an amino acid with highly dissimilar properties. This amino acid position is not well conserved in available vertebrate species. In addition, the in silico prediction for this alteration is inconclusive. Based on the available evidence, the clinical significance of this variant remains unclear.

NM_000089.4(COL1A2):c.3902T>A (p.Val1301Asp)

Gene: COL1A2 (collagen type I alpha 2 chain; plus strand). Cytogenetic location: 7q21.3.
Variant type: single nucleotide variant.
Coding change: c.3902T>A on transcript NM_000089.4 (MANE Select); coding-DNA position 3902, T replaced by A.
Protein change: p.Val1301Asp; replaces valine 1301 with aspartic acid.
Molecular consequence: missense variant.
Genome position (GRCh38, 1-based): chr7:94,429,378, T>A. VCF-style: chr7-94429378-T-A. GRCh37 (hg19) VCF-style: chr7-94058690-T-A.
Other names: short protein forms V1301D.
Identifiers: ClinVar variation 4613931 (VCV004613931.1).